The following is an entry in ClinVar:

NM_006267.5(RANBP2):c.7805C>T (p.Thr2602Met)

Gene: RANBP2 (RAN binding protein 2; plus strand). Cytogenetic location: 2q13.
Variant type: single nucleotide variant.
Coding change: c.7805C>T on transcript NM_006267.5 (MANE Select); coding-DNA position 7805, C replaced by T.
Protein change: p.Thr2602Met; replaces threonine 2602 with methionine.
Molecular consequence: missense variant.
Genome position (GRCh38, 1-based): chr2:108,768,344, C>T. VCF-style: chr2-108768344-C-T. GRCh37 (hg19) VCF-style: chr2-109384800-C-T.
Other names: short protein forms T2602M.
Identifiers: ClinVar variation 469489 (VCV000469489.12), dbSNP rs200438979, ClinGen allele CA1823660.

ClinVar aggregate classification (germline): Conflicting classifications of pathogenicity. Review status: criteria provided, conflicting classifications (1 of 4 stars). 3 submissions from 3 submitters: Uncertain significance (2); Likely benign (1). Last evaluated 2024-11-22.

Conditions:
Familial acute necrotizing encephalopathy (IIAE3). Also called: Susceptibility to Acute Necrotizing Encephalopathy 1; ENCEPHALOPATHY, ACUTE, INFECTION-INDUCED, SUSCEPTIBILITY TO, 3. Identifiers: Orphanet 88619, MedGen C2675556, MONDO:0011953, OMIM 608033.

Allele frequency attached by ClinVar (database versions not stated): ESP Exome Variant Server 0.00023; 1000 Genomes Project 30x 0.00031; gnomAD exomes 0.00039 and 0.00106; 1000 Genomes Project 0.00040; gnomAD 0.00071; ExAC 0.00132.
gnomAD v4.1: 703 of 1,610,048 alleles (0.044%); highest among the groups gnomAD compares: Middle Eastern, 0.36%; 2 homozygotes.

Submissions (3):

Blueprint Genetics
Classification: Likely benign. Last evaluated: 2024-11-22. Review status: criteria provided, single submitter. Criteria: ACMG Guidelines, 2015. Collection method: clinical testing. Allele origin: germline.

Labcorp Genetics (formerly Invitae), Labcorp
Classification: Uncertain significance for Familial acute necrotizing encephalopathy. Last evaluated: 2024-10-14. Review status: criteria provided, single submitter. Criteria: Invitae Variant Classification Sherloc (09022015). Collection method: clinical testing. Allele origin: germline.
Comment: This sequence change replaces threonine, which is neutral and polar, with methionine, which is neutral and non-polar, at codon 2602 of the RANBP2 protein (p.Thr2602Met). The frequency data for this variant in the population databases is considered unreliable, as metrics indicate poor data quality at this position in the gnomAD database. This variant has not been reported in the literature in individuals affected with RANBP2-related conditions. ClinVar contains an entry for this variant (Variation ID: 469489). Invitae Evidence Modeling of protein sequence and biophysical properties (such as structural, functional, and spatial information, amino acid conservation, physicochemical variation, residue mobility, and thermodynamic stability) indicates that this missense variant is not expected to disrupt RANBP2 protein function with a negative predictive value of 80%. In summary, the available evidence is currently insufficient to determine the role of this variant in disease. Therefore, it has been classified as a Variant of Uncertain Significance.

Breakthrough Genomics
Classification: Uncertain significance. Review status: criteria provided, single submitter. Criteria: ACMG Guidelines, 2015. Collection method: not provided. Allele origin: germline. Inheritance: Autosomal dominant inheritance. Affected: yes.